The following is an entry in ClinVar:

ClinVar aggregate classification (germline): Uncertain significance (1 of 4 stars; one submission).

Submission:

GeneDx
Classification: Uncertain significance. Last evaluated: 2022-12-06. Review status: criteria provided, single submitter. Criteria: GeneDx Variant Classification Process June 2021. Collection method: clinical testing. Allele origin: germline. Affected: yes.
Comment: Not observed at significant frequency in large population cohorts (gnomAD); In silico analysis supports that this missense variant does not alter protein structure/function; Has not been previously published as pathogenic or benign to our knowledge

NM_016628.5(WAC):c.1294C>G (p.Pro432Ala)

Gene: WAC (WW domain containing adaptor with coiled-coil; plus strand). Cytogenetic location: 10p12.1.
Variant type: single nucleotide variant.
Coding change: c.1294C>G on transcript NM_016628.5 (MANE Select); coding-DNA position 1294, C replaced by G.
Protein change: p.Pro432Ala; replaces proline 432 with alanine.
Molecular consequence: missense variant.
Genome position (GRCh38, 1-based): chr10:28,611,779, C>G. VCF-style: chr10-28611779-C-G. GRCh37 (hg19) VCF-style: chr10-28900708-C-G.
Other names: c.1159C>G, p.Pro387Ala (NM_100264.3); c.985C>G, p.Pro329Ala (NM_100486.4); short protein forms P329A, P387A, P432A.
Identifiers: ClinVar variation 2504956 (VCV002504956.1), dbSNP rs951089343, ClinGen allele CA376403525.